The following is an entry in ClinVar:

ClinVar aggregate classification (germline): Uncertain significance. Review status: criteria provided, multiple submitters, no conflicts (2 of 4 stars). 2 submissions from 2 submitters: Uncertain significance (2). Last evaluated 2023-11-09.

Conditions:
Inborn genetic diseases. Identifiers: MedGen C0950123, MeSH D030342.

Allele frequency attached by ClinVar (database versions not stated): ESP Exome Variant Server 0.00008.
gnomAD v4.1: 18 of 1,612,822 alleles (0.0011%); highest among the groups gnomAD compares: Non-Finnish European, 0.0014%; no homozygotes.

Submissions (2):

Ambry Genetics
Classification: Uncertain significance for Inborn genetic diseases. Last evaluated: 2023-11-09. Review status: criteria provided, single submitter. Criteria: Ambry Variant Classification Scheme 2023. Collection method: clinical testing. Allele origin: germline.

Labcorp Genetics (formerly Invitae), Labcorp
Classification: Uncertain significance. Last evaluated: 2021-10-14. Review status: criteria provided, single submitter. Criteria: Invitae Variant Classification Sherloc (09022015). Collection method: clinical testing. Allele origin: germline.
Comment: In summary, the available evidence is currently insufficient to determine the role of this variant in disease. Therefore, it has been classified as a Variant of Uncertain Significance. Algorithms developed to predict the effect of missense changes on protein structure and function are either unavailable or do not agree on the potential impact of this missense change (SIFT: "Deleterious"; PolyPhen-2: "Possibly Damaging"; Align-GVGD: "Class C15"). This variant has not been reported in the literature in individuals affected with IMPDH1-related conditions. This variant is not present in population databases (ExAC no frequency). This sequence change replaces glycine with valine at codon 386 of the IMPDH1 protein (p.Gly386Val). The glycine residue is highly conserved and there is a moderate physicochemical difference between glycine and valine.

NM_000883.4(IMPDH1):c.1157G>T (p.Gly386Val)

Gene: IMPDH1 (inosine monophosphate dehydrogenase 1; minus strand). Cytogenetic location: 7q32.1.
Variant type: single nucleotide variant.
Coding change: c.1157G>T on transcript NM_000883.4 (MANE Select); coding-DNA position 1157, G replaced by T.
Protein change: p.Gly386Val; replaces glycine 386 with valine.
Molecular consequence: missense variant.
Genome position (GRCh38, 1-based): chr7:128,396,940, C>A on the plus strand (G>T on the coding strand, the complement: IMPDH1 is on the minus strand). VCF-style: chr7-128396940-C-A. GRCh37 (hg19) VCF-style: chr7-128036994-C-A.
Other names: c.1157G>T (NM_000883.3); c.1127G>T, p.Gly376Val (NM_001102605.2); c.902G>T, p.Gly301Val (NM_001142573.2); c.887G>T, p.Gly296Val (NM_001142574.2); c.827G>T, p.Gly276Val (NM_001142575.2); c.1058G>T, p.Gly353Val (NM_001142576.2); c.950G>T, p.Gly317Val (NM_001304521.2); c.1049G>T, p.Gly350Val (NM_183243.3); short protein forms G317V, G350V, G276V, G296V, G386V, G301V, G353V, G376V.
Identifiers: ClinVar variation 1519248 (VCV001519248.7), dbSNP rs373276383, ClinGen allele CA166124578.